The following is an entry in ClinVar:

ClinVar aggregate classification (germline): Uncertain significance (1 of 4 stars; one submission).

Conditions:
Brugada syndrome. Also called: Sudden Unexplained Death Syndrome; Sudden Unexplained Nocturnal Death Syndrome (SUNDS); Sudden unexpected nocturnal death syndrome; Sudden unexplained nocturnal death syndrome. Identifiers: Orphanet 130, MedGen C1142166, MONDO:0015263.

gnomAD v4.1: 1 of 1,613,714 alleles (0.000062%); highest among the groups gnomAD compares: East Asian, 0.0022%; no homozygotes.

Submission:

Labcorp Genetics (formerly Invitae), Labcorp
Classification: Uncertain significance for Brugada syndrome. Last evaluated: 2025-09-12. Review status: criteria provided, single submitter. Criteria: Invitae Variant Classification Sherloc (09022015). Collection method: clinical testing. Allele origin: germline.
Comment: This sequence change replaces glutamic acid, which is acidic and polar, with valine, which is neutral and non-polar, at codon 1095 of the SCN10A protein (p.Glu1095Val). This variant is present in population databases (no rsID available, gnomAD 0.006%). This variant has not been reported in the literature in individuals affected with SCN10A-related conditions. Invitae Evidence Modeling of protein sequence and biophysical properties (such as structural, functional, and spatial information, amino acid conservation, physicochemical variation, residue mobility, and thermodynamic stability) indicates that this missense variant is not expected to disrupt SCN10A protein function with a negative predictive value of 80%. In summary, the available evidence is currently insufficient to determine the role of this variant in disease. Therefore, it has been classified as a Variant of Uncertain Significance.

NM_006514.4(SCN10A):c.3284A>T (p.Glu1095Val)

Genes: SCN10A (sodium voltage-gated channel alpha subunit 10; minus strand), LOC110121288 (VISTA enhancer hs2268; plus strand). Cytogenetic location: 3p22.2.
Variant type: single nucleotide variant.
Coding change: c.3284A>T on transcript NM_006514.4 (MANE Select); coding-DNA position 3284, A replaced by T.
Protein change: p.Glu1095Val; replaces glutamic acid 1095 with valine.
Molecular consequence: missense variant.
Genome position (GRCh38, 1-based): chr3:38,723,498, T>A on the plus strand (A>T on the coding strand, the complement: SCN10A is on the minus strand). VCF-style: chr3-38723498-T-A. GRCh37 (hg19) VCF-style: chr3-38764989-T-A.
Other names: c.3281A>T, p.Glu1094Val (NM_001293306.2); c.2990A>T, p.Glu997Val (NM_001293307.2); short protein forms E1094V, E1095V, E997V.
Identifiers: ClinVar variation 4807005 (VCV004807005.1).